The following is an entry in ClinVar:

NM_173050.5(SCUBE1):c.1381G>T (p.Ala461Ser)

Gene: SCUBE1 (signal peptide, CUB domain and EGF like domain containing 1; minus strand). Cytogenetic location: 22q13.2.
Variant type: single nucleotide variant.
Coding change: c.1381G>T on transcript NM_173050.5 (MANE Select); coding-DNA position 1381, G replaced by T.
Protein change: p.Ala461Ser; replaces alanine 461 with serine.
Molecular consequence: missense variant.
Genome position (GRCh38, 1-based): chr22:43,222,689, C>A on the plus strand (G>T on the coding strand, the complement: SCUBE1 is on the minus strand). VCF-style: chr22-43222689-C-A. GRCh37 (hg19) VCF-style: chr22-43618695-C-A.
Other names: short protein forms A461S.
Identifiers: ClinVar variation 2653267 (VCV002653267.24), dbSNP rs148458324, ClinGen allele CA10274461.

ClinVar aggregate classification (germline): Benign (1 of 4 stars; one submission).

Allele frequency attached by ClinVar (database versions not stated): 1000 Genomes Project 0.00260; 1000 Genomes Project 30x 0.00265; TOPMed 0.00620; gnomAD 0.00697; ESP Exome Variant Server 0.00785; gnomAD exomes 0.00863; ExAC 0.01006.
gnomAD v4.1: 13,580 of 1,606,574 alleles (0.85%); highest among the groups gnomAD compares: Non-Finnish European, 1%; 85 homozygotes.

Submission:

CeGaT Center for Human Genetics Tuebingen
Classification: Benign. Last evaluated: 2022-12-01. Review status: criteria provided, single submitter. Criteria: CeGaT Center For Human Genetics Tuebingen Variant Classification Criteria Version 2. Collection method: clinical testing. Allele origin: germline. Affected: yes. Observed: 1 variant allele.
Comment: SCUBE1: BP4, BS1, BS2